The following is an entry in ClinVar:

ClinVar aggregate classification (germline): Uncertain significance. Review status: criteria provided, multiple submitters, no conflicts (2 of 4 stars). 2 submissions from 2 submitters: Uncertain significance (2). Last evaluated 2024-05-31.

Allele frequency attached by ClinVar (database versions not stated): gnomAD exomes below 0.00001.
gnomAD v4.1: 1 of 1,613,248 alleles (0.000062%); highest among the groups gnomAD compares: African/African-American, 0.0013%; no homozygotes.

Submissions (2):

GeneDx
Classification: Uncertain significance. Last evaluated: 2024-05-31. Review status: criteria provided, single submitter. Criteria: GeneDx Variant Classification Process June 2021. Collection method: clinical testing. Allele origin: germline. Affected: yes.
Comment: Not observed at significant frequency in large population cohorts (gnomAD); In silico analysis indicates that this missense variant does not alter protein structure/function; Has not been previously published as pathogenic or benign to our knowledge

Labcorp Genetics (formerly Invitae), Labcorp
Classification: Uncertain significance. Last evaluated: 2022-06-13. Review status: criteria provided, single submitter. Criteria: Invitae Variant Classification Sherloc (09022015). Collection method: clinical testing. Allele origin: germline.
Comment: This sequence change replaces valine, which is neutral and non-polar, with methionine, which is neutral and non-polar, at codon 364 of the DOCK6 protein (p.Val364Met). This variant is not present in population databases (gnomAD no frequency). This variant has not been reported in the literature in individuals affected with DOCK6-related conditions. Algorithms developed to predict the effect of missense changes on protein structure and function are either unavailable or do not agree on the potential impact of this missense change (SIFT: "Deleterious"; PolyPhen-2: "Benign"; Align-GVGD: "Class C0"). In summary, the available evidence is currently insufficient to determine the role of this variant in disease. Therefore, it has been classified as a Variant of Uncertain Significance.

NM_020812.4(DOCK6):c.1090G>A (p.Val364Met)

Gene: DOCK6 (dedicator of cytokinesis 6; minus strand). Cytogenetic location: 19p13.2.
Variant type: single nucleotide variant.
Coding change: c.1090G>A on transcript NM_020812.4 (MANE Select); coding-DNA position 1090, G replaced by A.
Protein change: p.Val364Met; replaces valine 364 with methionine.
Molecular consequence: missense variant.
Genome position (GRCh38, 1-based): chr19:11,243,816, C>T on the plus strand (G>A on the coding strand, the complement: DOCK6 is on the minus strand). VCF-style: chr19-11243816-C-T. GRCh37 (hg19) VCF-style: chr19-11354492-C-T.
Other names: c.1090G>A, p.Val364Met (NM_001367830.1); c.1090G>A (NM_020812.3); short protein forms V364M.
Identifiers: ClinVar variation 1921359 (VCV001921359.3), dbSNP rs2079989759, ClinGen allele CA404110919.